The following is an entry in ClinVar:

NM_001267550.2(TTN):c.50701A>G (p.Arg16901Gly)

Genes: TTN (titin; minus strand), TTN-AS1 (TTN antisense RNA 1; plus strand). Cytogenetic location: 2q31.2.
Variant type: single nucleotide variant.
Coding change: c.50701A>G on transcript NM_001267550.2 (MANE Select); coding-DNA position 50701, A replaced by G.
Protein change: p.Arg16901Gly; replaces arginine 16901 with glycine.
Molecular consequence: missense variant.
Genome position (GRCh38, 1-based): chr2:178,611,528, T>C on the plus strand (A>G on the coding strand, the complement: TTN is on the minus strand). VCF-style: chr2-178611528-T-C. GRCh37 (hg19) VCF-style: chr2-179476255-T-C.
Other names: c.45778A>G, p.Arg15260Gly (NM_001256850.1); c.23506A>G, p.Arg7836Gly (NM_003319.4); c.42997A>G, p.Arg14333Gly (NM_133378.4); c.23881A>G, p.Arg7961Gly (NM_133432.3); c.24082A>G, p.Arg8028Gly (NM_133437.4); short protein forms R16901G, R7961G, R7836G, R14333G, R8028G, R15260G.
Identifiers: ClinVar variation 1789996 (VCV001789996.2), dbSNP rs1398055994, ClinGen allele CA349593411.
Genomic context (GRCh38, chr2:178,611,528, plus strand): 5'-CAGGAACAACACCTTCTTCAACCTTGAATTTCAAGTCCTTTATTGGGCGAGAATTAACTC[T>C]CATCCATTTCTCAGTGCCTACTGGACACATTTCAACATGGTATCCTATGATAGGACTTCC-3'
Protein context (NP_001254479.2, residues 16891-16911): MCPVGTEKWM[Arg16901Gly]VNSRPIKDLK

ClinVar aggregate classification (germline): Uncertain significance (1 of 4 stars; one submission).

Conditions:
Cardiovascular phenotype. Identifiers: MedGen CN230736.

Allele frequency attached by ClinVar (database versions not stated): gnomAD exomes below 0.00001; gnomAD 0.00001; TOPMed 0.00001.
gnomAD v4.1: 2 of 1,612,922 alleles (0.00012%); highest among the groups gnomAD compares: African/African-American, 0.0027%; no homozygotes.

Submission:

Ambry Genetics
Classification: Uncertain significance for Cardiovascular phenotype. Last evaluated: 2019-03-19. Review status: criteria provided, single submitter. Criteria: Ambry Variant Classification Scheme 2023. Collection method: clinical testing. Allele origin: germline.
Comment: The p.R7836G variant (also known as c.23506A>G), located in coding exon 96 of the TTN gene, results from an A to G substitution at nucleotide position 23506. The arginine at codon 7836 is replaced by glycine, an amino acid with dissimilar properties. This amino acid position is highly conserved in available vertebrate species. In addition, this alteration is predicted to be probably damaging and unknown by PolyPhen and SIFT in silico analyses, respectively. Since supporting evidence is limited at this time, the clinical significance of this alteration remains unclear.